The following is an entry in ClinVar:

NM_000051.4(ATM):c.6116A>T (p.Glu2039Val)

Genes: ATM (ATM serine/threonine kinase; plus strand), C11orf65 (chromosome 11 open reading frame 65; minus strand). Cytogenetic location: 11q22.3.
Variant type: single nucleotide variant.
Coding change: c.6116A>T on transcript NM_000051.4 (MANE Select); coding-DNA position 6116, A replaced by T.
Protein change: p.Glu2039Val; replaces glutamic acid 2039 with valine.
Molecular consequence: missense variant. On other transcripts: intron variant (2).
Genome position (GRCh38, 1-based): chr11:108,316,031, A>T. VCF-style: chr11-108316031-A-T. GRCh37 (hg19) VCF-style: chr11-108186758-A-T.
Other names: NM_000051.4(ATM):c.6116A>T; p.Glu2039Val; c.6116A>T, p.Glu2039Val (NM_001351834.2); c.641-6960T>A (NM_001330368.2); c.*39-6960T>A (NM_001351110.2); short protein forms E2039V.
Identifiers: ClinVar variation 417621 (VCV000417621.16), dbSNP rs876659558, ClinGen allele CA16616706.

ClinVar aggregate classification (germline): Uncertain significance. Review status: reviewed by expert panel (3 of 4 stars). 4 submissions from 4 submitters: Uncertain significance (1). 3 of the submissions do not count toward it. Last evaluated 2024-11-26.

Conditions:
Hereditary cancer-predisposing syndrome. Also called: Neoplastic Syndromes, Hereditary; Hereditary Cancer Syndrome; Tumor predisposition; Hereditary neoplastic syndrome. Identifiers: Orphanet 140162, MedGen C0027672, MeSH D009386, MONDO:0015356.
ATM-related cancer predisposition. Also called: ATM-related cancer susceptibility. Identifiers: MedGen CN377759, MONDO:0700270.
Ataxia-telangiectasia syndrome (AT). Also called: LOUIS-BAR SYNDROME; Cerebello-oculocutaneous telangiectasia; Immunodeficiency with ataxia telangiectasia; Ataxia-telangiectasia, complementation group D; AT, COMPLEMENTATION GROUP C; Ataxia-telangiectasia, complementation group E. Identifiers: Orphanet 100, MedGen C0004135, MONDO:0008840, OMIM 208900.
Familial cancer of breast. Also called: Hereditary breast cancer; BREAST CANCER, FAMILIAL; hereditary breast carcinoma. Identifiers: Orphanet 227535, MedGen C0346153, MONDO:0016419, OMIM 114480. Disease mechanism: loss of function.

Allele frequency attached by ClinVar (database versions not stated): gnomAD exomes below 0.00001.
gnomAD v4.1: 1 of 1,614,196 alleles (0.000062%); highest among the groups gnomAD compares: Non-Finnish European, 0.000085%; no homozygotes.

Submissions (4):

ClinGen Hereditary Breast, Ovarian and Pancreatic Cancer Variant Curation Expert Panel, ClinGen
Classification: Uncertain significance for ATM-related cancer predisposition. Last evaluated: 2024-11-26. Review status: reviewed by expert panel. Criteria: ClinGen HBOP ACMG Specifications ATM V1.3.0. Collection method: curation. Allele origin: germline. Inheritance: Autosomal dominant inheritance.
Comment: The c.6116A>T variant in ATM is a missense variant predicted to cause substitution of glutamic acid by valine at amino acid 2039 (p.Glu2039Val). This variant has been detected in at least one individual with Ataxia-Telangiectasia (PMID: 26896183). This variant is absent from gnomAD v2.1.1. The computational predictor REVEL gives a score of 0.429, which is neither above nor below the thresholds predicting a damaging or benign impact on ATM function. In summary, this variant meets criteria to be classified as a variant of uncertain significance for autosomal dominant ATM-related cancer predisposition and autosomal recessive Ataxia-Telangiectasia based on the ACMG/AMP criteria applied, as specified by the HBOP VCEP. (PM3_Supporting, PM2_Supporting)

Labcorp Genetics (formerly Invitae), Labcorp
Classification: Likely pathogenic for Ataxia-telangiectasia syndrome. Last evaluated: 2023-06-30. Review status: criteria provided, single submitter. Criteria: Invitae Variant Classification Sherloc (09022015). Collection method: clinical testing. Allele origin: germline. Not counted in ClinVar's aggregate classification.
Comment: This sequence change replaces glutamic acid, which is acidic and polar, with valine, which is neutral and non-polar, at codon 2039 of the ATM protein (p.Glu2039Val). This variant is not present in population databases (gnomAD no frequency). This missense change has been observed in individuals with ataxia-telangiectasia (PMID: 26896183). ClinVar contains an entry for this variant (Variation ID: 417621). An algorithm developed to predict the effect of missense changes on protein structure and function (PolyPhen-2) suggests that this variant is likely to be disruptive. This variant disrupts the p.Glu2039 amino acid residue in ATM. Other variant(s) that disrupt this residue have been determined to be pathogenic (PMID: 19431188, 19781682, 22071889, 28975465). This suggests that this residue is clinically significant, and that variants that disrupt this residue are likely to be disease-causing. In summary, the currently available evidence indicates that the variant is pathogenic, but additional data are needed to prove that conclusively. Therefore, this variant has been classified as Likely Pathogenic.

Ambry Genetics
Classification: Uncertain significance for Hereditary cancer-predisposing syndrome. Last evaluated: 2019-06-06. Review status: criteria provided, single submitter. Criteria: Ambry Variant Classification Scheme 2023. Collection method: clinical testing. Allele origin: germline. Not counted in ClinVar's aggregate classification.
Comment: The p.E2039V variant (also known as c.6116A>T), located in coding exon 41 of the ATM gene, results from an A to T substitution at nucleotide position 6116. The glutamic acid at codon 2039 is replaced by valine, an amino acid with dissimilar properties. This amino acid position is highly conserved in available vertebrate species. In addition, the in silico prediction for this alteration is inconclusive. Since supporting evidence is limited at this time, the clinical significance of this alteration remains unclear.

Sanfordhealth-Fargo, Sanfordhealth
Classification: Uncertain significance for Familial cancer of breast. Review status: no assertion criteria provided. Collection method: clinical testing. Allele origin: maternal. Inheritance: Autosomal dominant inheritance. Affected: yes. Observed: 1 variant allele, 1 heterozygote. Not counted in ClinVar's aggregate classification.
Comment: This VUS was reported by GeneDx 5/22/2015.

Literature cited by the submitters: PubMed 26896183 (cited by Labcorp Genetics (formerly Invitae), Labcorp); PubMed 19431188 (cited by Labcorp Genetics (formerly Invitae), Labcorp); PubMed 19781682 (cited by Labcorp Genetics (formerly Invitae), Labcorp); PubMed 22071889 (cited by Labcorp Genetics (formerly Invitae), Labcorp); PubMed 28975465 (cited by Labcorp Genetics (formerly Invitae), Labcorp).